The following is an entry in ClinVar:

ClinVar aggregate classification (germline): Likely pathogenic (1 of 4 stars; one submission).

Conditions:
Phenylketonuria (PKU). Also called: OLIGOPHRENIA PHENYLPYRUVICA; Phenylketonurias; Phenylketonuria (PKU); FOLLING DISEASE. Identifiers: Orphanet 716, MedGen C0031485, MONDO:0009861, OMIM 261600. Disease mechanism: loss of function.

Allele frequency attached by ClinVar (database versions not stated): gnomAD 0.00004 and 0.00003; gnomAD exomes 0.00001; TOPMed 0.00001.
gnomAD v4.1: 8 of 1,613,490 alleles (0.0005%); highest among the groups gnomAD compares: Non-Finnish European, 0.00068%; no homozygotes.

Submission:

Labcorp Genetics (formerly Invitae), Labcorp
Classification: Likely pathogenic for Phenylketonuria. Last evaluated: 2021-09-06. Review status: criteria provided, single submitter. Criteria: Invitae Variant Classification Sherloc (09022015). Collection method: clinical testing. Allele origin: germline.
Comment: This sequence change replaces alanine with serine at codon 309 of the PAH protein (p.Ala309Ser). The alanine residue is highly conserved and there is a moderate physicochemical difference between alanine and serine. This variant is not present in population databases (ExAC no frequency). This variant has not been reported in the literature in individuals affected with PAH-related conditions. Advanced modeling of protein sequence and biophysical properties (such as structural, functional, and spatial information, amino acid conservation, physicochemical variation, residue mobility, and thermodynamic stability) performed at Invitae indicates that this missense variant is expected to disrupt PAH protein function. This variant disrupts the p.Ala309 amino acid residue in PAH. Other variant(s) that disrupt this residue have been determined to be pathogenic (PMID: 12655546, 21871829, 26666653, 27121329). This suggests that this residue is clinically significant, and that variants that disrupt this residue are likely to be disease-causing. In summary, the currently available evidence indicates that the variant is pathogenic, but additional data are needed to prove that conclusively. Therefore, this variant has been classified as Likely Pathogenic.

Literature cited by the submitters: PubMed 12655546; PubMed 21871829; PubMed 26666653; PubMed 27121329.

NM_000277.3(PAH):c.925G>T (p.Ala309Ser)

Gene: PAH (phenylalanine hydroxylase; minus strand). Cytogenetic location: 12q23.2.
Variant type: single nucleotide variant.
Coding change: c.925G>T on transcript NM_000277.3 (MANE Select); coding-DNA position 925, G replaced by T.
Protein change: p.Ala309Ser; replaces alanine 309 with serine.
Molecular consequence: missense variant.
Genome position (GRCh38, 1-based): chr12:102,846,939, C>A on the plus strand (G>T on the coding strand, the complement: PAH is on the minus strand). VCF-style: chr12-102846939-C-A. GRCh37 (hg19) VCF-style: chr12-103240717-C-A.
Other names: c.925G>T, p.Ala309Ser (NM_001354304.2); short protein forms A309S.
Identifiers: ClinVar variation 1468012 (VCV001468012.3), dbSNP rs1205657950, ClinGen allele CA386291720.